The following is an entry in ClinVar:

NM_006180.6(NTRK2):c.739C>G (p.Gln247Glu)

Gene: NTRK2 (neurotrophic receptor tyrosine kinase 2; plus strand). Cytogenetic location: 9q21.33.
Variant type: single nucleotide variant.
Coding change: c.739C>G on transcript NM_006180.6 (MANE Select); coding-DNA position 739, C replaced by G.
Protein change: p.Gln247Glu; replaces glutamine 247 with glutamic acid.
Molecular consequence: missense variant.
Genome position (GRCh38, 1-based): chr9:84,724,242, C>G. VCF-style: chr9-84724242-C-G. GRCh37 (hg19) VCF-style: chr9-87339157-C-G.
Other names: c.739C>G, p.Gln247Glu (NM_001369544.1, NM_001369545.1, NM_001369546.1 and 19 more transcripts); c.271C>G, p.Gln91Glu (NM_001369535.1, NM_001369536.1, NM_001369550.1 and 2 more transcripts); short protein forms Q91E, Q247E.
Identifiers: ClinVar variation 2182890 (VCV002182890.4), dbSNP rs1240437124, ClinGen allele CA374007448.
Genomic context (GRCh38, chr9:84,724,242, plus strand): 5'-AATCCTAATCAAGGTTATTTTTGTCTGTTAATTCATTTGTAGAATGAAACAAGCCACACA[C>G]AGGGCTCCTTAAGGATAACTAACATTTCATCCGATGACAGTGGGAAGCAGATCTCTTGTG-3'
Protein context (NP_006171.2, residues 237-257): SKHMNETSHT[Gln247Glu]GSLRITNISS

ClinVar aggregate classification (germline): Uncertain significance (1 of 4 stars; one submission).

Allele frequency attached by ClinVar (database versions not stated): TOPMed below 0.00001; gnomAD exomes 0.00001.
gnomAD v4.1: 10 of 1,614,136 alleles (0.00062%); highest among the groups gnomAD compares: Non-Finnish European, 0.00076%; no homozygotes.

Submission:

Labcorp Genetics (formerly Invitae), Labcorp
Classification: Uncertain significance. Last evaluated: 2023-12-07. Review status: criteria provided, single submitter. Criteria: Invitae Variant Classification Sherloc (09022015). Collection method: clinical testing. Allele origin: germline.
Comment: This sequence change replaces glutamine, which is neutral and polar, with glutamic acid, which is acidic and polar, at codon 247 of the NTRK2 protein (p.Gln247Glu). This variant is present in population databases (no rsID available, gnomAD 0.0009%). This variant has not been reported in the literature in individuals affected with NTRK2-related conditions. ClinVar contains an entry for this variant (Variation ID: 2182890). Advanced modeling of protein sequence and biophysical properties (such as structural, functional, and spatial information, amino acid conservation, physicochemical variation, residue mobility, and thermodynamic stability) performed at Invitae indicates that this missense variant is not expected to disrupt NTRK2 protein function with a negative predictive value of 80%. In summary, the available evidence is currently insufficient to determine the role of this variant in disease. Therefore, it has been classified as a Variant of Uncertain Significance.